The following is an entry in ClinVar:

NM_000548.5(TSC2):c.4236T>G (p.Pro1412=)

Gene: TSC2 (TSC complex subunit 2; plus strand). Cytogenetic location: 16p13.3.
Variant type: single nucleotide variant.
Coding change: c.4236T>G on transcript NM_000548.5 (MANE Select); coding-DNA position 4236, T replaced by G.
Protein change: p.Pro1412=; no amino-acid change (proline 1412 retained).
Molecular consequence: synonymous variant. On other transcripts: non-coding transcript variant (5).
Genome position (GRCh38, 1-based): chr16:2,084,458, T>G. VCF-style: chr16-2084458-T-G. GRCh37 (hg19) VCF-style: chr16-2134459-T-G.
Other names: c.4035T>G, p.Pro1345= (NM_001077183.3); c.4167T>G, p.Pro1389= (NM_001114382.3); c.3927T>G, p.Pro1309= (NM_001318827.2); c.3891T>G, p.Pro1297= (NM_001318829.2); c.3504T>G, p.Pro1168= (NM_001318831.2); c.4068T>G, p.Pro1356= (NM_001318832.2); c.4038T>G, p.Pro1346= (NM_001363528.2); c.4104T>G, p.Pro1368= (NM_001370404.1); and 26 more.
Identifiers: ClinVar variation 4071223 (VCV004071223.1).
Genomic context (GRCh38, chr16:2,084,458, plus strand): 5'-GACTCTGCAGGACATCCTCGGGGACCCTGGGGACAAGGCCGACGTGGGCCGGCTGAGCCC[T>G]GAGGTTAAGGCCCGGTCACAGTCAGGGACCCTGGACGGGGAAAGTGCTGCCTGGTCGGCC-3'
Protein context (NP_000539.2, residues 1402-1422): GDKADVGRLS[Pro1412=]EVKARSQSGT

ClinVar aggregate classification (germline): Benign (1 of 4 stars; one submission).

Conditions:
Tuberous sclerosis 2 (TSC2). Identifiers: Orphanet 805, MedGen C1860707, MONDO:0013199, OMIM 613254.

Submission:

Myriad Genetics, Inc.
Classification: Benign for Tuberous sclerosis 2. Last evaluated: 2025-06-03. Review status: criteria provided, single submitter. Criteria: Myriad Autosomal Dominant, Autosomal Recessive and X-Linked Classification Criteria (2023). Collection method: clinical testing. Allele origin: unknown.
Comment: This variant is considered benign. This variant is a silent/synonymous amino acid change and it is not expected to impact splicing.